The following is an entry in ClinVar:

NM_016151.4(TAOK2):c.3394C>T (p.Pro1132Ser)

Gene: TAOK2 (TAO kinase 2; plus strand). Cytogenetic location: 16p11.2.
Variant type: single nucleotide variant.
Coding change: c.3394C>T on transcript NM_016151.4 (MANE Select); coding-DNA position 3394, C replaced by T.
Protein change: p.Pro1132Ser; replaces proline 1132 with serine.
Molecular consequence: missense variant. On other transcripts: intron variant (1).
Genome position (GRCh38, 1-based): chr16:29,987,666, C>T. VCF-style: chr16-29987666-C-T. GRCh37 (hg19) VCF-style: chr16-29998987-C-T.
Other names: c.3055C>T, p.Pro1019Ser (NM_001252043.2); c.2232+1162C>T (NM_004783.4); short protein forms P1019S, P1132S.
Identifiers: ClinVar variation 1373405 (VCV001373405.6), dbSNP rs2069852221, ClinGen allele CA395500560.

ClinVar aggregate classification (germline): Uncertain significance (1 of 4 stars; one submission).

Allele frequency attached by ClinVar (database versions not stated): TOPMed below 0.00001.

Submission:

Labcorp Genetics (formerly Invitae), Labcorp
Classification: Uncertain significance. Last evaluated: 2021-08-08. Review status: criteria provided, single submitter. Criteria: Invitae Variant Classification Sherloc (09022015). Collection method: clinical testing. Allele origin: germline.
Comment: In summary, the available evidence is currently insufficient to determine the role of this variant in disease. Therefore, it has been classified as a Variant of Uncertain Significance. Algorithms developed to predict the effect of missense changes on protein structure and function are either unavailable or do not agree on the potential impact of this missense change (SIFT: "Tolerated"; PolyPhen-2: "Probably Damaging"; Align-GVGD: "Class C0"). This variant has not been reported in the literature in individuals affected with TAOK2-related conditions. This variant is not present in population databases (ExAC no frequency). This sequence change replaces proline with serine at codon 1132 of the TAOK2 protein (p.Pro1132Ser). The proline residue is weakly conserved and there is a moderate physicochemical difference between proline and serine.